The following is an entry in ClinVar:

ClinVar aggregate classification (germline): Benign/Likely benign. Review status: criteria provided, multiple submitters, no conflicts (2 of 4 stars). 3 submissions from 3 submitters: Benign (1); Likely benign (2). Last evaluated 2025-03-14.

Conditions:
Gastrointestinal stromal tumor. Also called: Gastrointestinal stromal tumor, somatic; Gastrointestinal stroma tumor. Identifiers: Orphanet 44890, MedGen C0238198, MeSH D046152, MONDO:0011719, OMIM 606764, HP:0100723.
Pheochromocytoma/paraganglioma syndrome 3. Also called: SDHC-Related Hereditary Paraganglioma-Pheochromocytoma Syndrome (Paragangliomas 3); SDHC-Related Hereditary Paraganglioma-Pheochromocytoma Syndrome; GLOMUS TUMORS, FAMILIAL, 3; Paragangliomas 3. Identifiers: Orphanet 29072, MedGen C1854336, MONDO:0011544, OMIM 605373.
Hereditary cancer-predisposing syndrome. Also called: Neoplastic Syndromes, Hereditary; Hereditary Cancer Syndrome; Hereditary neoplastic syndrome; Tumor predisposition. Identifiers: Orphanet 140162, MedGen C0027672, MeSH D009386, MONDO:0015356.

Allele frequency attached by ClinVar (database versions not stated): gnomAD exomes below 0.00001.
gnomAD v4.1: 1 of 1,613,900 alleles (0.000062%); highest among the groups gnomAD compares: Non-Finnish European, 0.000085%; no homozygotes.

Submissions (3):

Myriad Genetics, Inc.
Classification: Benign for Pheochromocytoma/paraganglioma syndrome 3. Last evaluated: 2025-03-14. Review status: criteria provided, single submitter. Criteria: Myriad Autosomal Dominant, Autosomal Recessive and X-Linked Classification Criteria (2023). Collection method: clinical testing. Allele origin: unknown.
Comment: This variant is considered benign. This variant is a silent/synonymous amino acid change and it is not expected to impact splicing.

Labcorp Genetics (formerly Invitae), Labcorp
Classification: Likely benign for Pheochromocytoma/paraganglioma syndrome 3; Gastrointestinal stromal tumor. Last evaluated: 2024-11-25. Review status: criteria provided, single submitter. Criteria: Invitae Variant Classification Sherloc (09022015). Collection method: clinical testing. Allele origin: germline.

Ambry Genetics
Classification: Likely benign for Hereditary cancer-predisposing syndrome. Last evaluated: 2022-10-15. Review status: criteria provided, single submitter. Criteria: Ambry Variant Classification Scheme 2023. Collection method: clinical testing. Allele origin: germline.

NM_003001.5(SDHC):c.318G>A (p.Leu106=)

Gene: SDHC (succinate dehydrogenase complex subunit C; plus strand). Cytogenetic location: 1q23.3.
Variant type: single nucleotide variant.
Coding change: c.318G>A on transcript NM_003001.5 (MANE Select); coding-DNA position 318, G replaced by A.
Protein change: p.Leu106=; no amino-acid change (leucine 106 retained).
Molecular consequence: synonymous variant. On other transcripts: non-coding transcript variant (1), intron variant (3).
Genome position (GRCh38, 1-based): chr1:161,356,753, G>A. VCF-style: chr1-161356753-G-A. GRCh37 (hg19) VCF-style: chr1-161326543-G-A.
Other names: c.216G>A, p.Leu72= (NM_001035512.3); c.159G>A, p.Leu53= (NM_001035513.3); c.438G>A, p.Leu146= (NM_001407115.1); c.261G>A, p.Leu87= (NM_001407116.1); c.255G>A, p.Leu85= (NM_001407117.1); c.210G>A, p.Leu70= (NM_001407118.1); c.207G>A, p.Leu69= (NM_001407119.1, NM_001407120.1); c.242-5576G>A (NM_001035511.3); and 2 more.
Identifiers: ClinVar variation 719296 (VCV000719296.11), dbSNP rs1166833684, ClinGen allele CA421501047.